The following is an entry in ClinVar:

ClinVar aggregate classification (germline): Uncertain significance (1 of 4 stars; one submission).

Allele frequency attached by ClinVar (database versions not stated): gnomAD exomes 0.00001; ExAC 0.00002.
gnomAD v4.1: 11 of 1,613,778 alleles (0.00068%); highest among the groups gnomAD compares: Non-Finnish European, 0.00093%; no homozygotes.

Submission:

Labcorp Genetics (formerly Invitae), Labcorp
Classification: Uncertain significance. Last evaluated: 2024-06-03. Review status: criteria provided, single submitter. Criteria: Invitae Variant Classification Sherloc (09022015). Collection method: clinical testing. Allele origin: germline.
Comment: This sequence change replaces proline, which is neutral and non-polar, with leucine, which is neutral and non-polar, at codon 183 of the ANLN protein (p.Pro183Leu). This variant is present in population databases (rs755450565, gnomAD 0.003%). This variant has not been reported in the literature in individuals affected with ANLN-related conditions. An algorithm developed to predict the effect of missense changes on protein structure and function (PolyPhen-2) suggests that this variant is likely to be tolerated. In summary, the available evidence is currently insufficient to determine the role of this variant in disease. Therefore, it has been classified as a Variant of Uncertain Significance.

NM_018685.5(ANLN):c.548C>T (p.Pro183Leu)

Gene: ANLN (anillin, actin binding protein; plus strand). Cytogenetic location: 7p14.2.
Variant type: single nucleotide variant.
Coding change: c.548C>T on transcript NM_018685.5 (MANE Select); coding-DNA position 548, C replaced by T.
Protein change: p.Pro183Leu; replaces proline 183 with leucine.
Molecular consequence: missense variant.
Genome position (GRCh38, 1-based): chr7:36,406,241, C>T. VCF-style: chr7-36406241-C-T. GRCh37 (hg19) VCF-style: chr7-36445850-C-T.
Other names: c.548C>T, p.Pro183Leu (NM_001284301.3, NM_001284302.3); short protein forms P183L.
Identifiers: ClinVar variation 2961354 (VCV002961354.3), dbSNP rs755450565, ClinGen allele CA4219372.